The following is an entry in ClinVar:

NM_001349798.2(FBXW7):c.1331_1332del (p.Lys444fs)

Gene: FBXW7 (F-box and WD repeat domain containing 7; minus strand). Cytogenetic location: 4q31.3.
Variant type: Deletion.
Coding change: c.1331_1332del on transcript NM_001349798.2 (MANE Select); coding-DNA positions 1331 to 1332, 2 bases deleted (AA; older notation c.1331_1332delAA).
Protein change: p.Lys444fs; shifts the reading frame from lysine 444.
Molecular consequence: frameshift variant.
Genome position (GRCh38, 1-based): chr4:152,328,294-152,328,295, TT deleted on the plus strand (AA on the coding strand, the reverse complement: FBXW7 is on the minus strand); deleting any 2 consecutive bases within chr4:152,328,294-152,328,296 gives the same sequence; the c. name uses the placement nearest the transcript's 3' end. VCF-style (leftmost placement, unchanged base first): chr4-152328293-CTT-C. GRCh37 (hg19) VCF-style: chr4-153249445-CTT-C.
Other names: c.1091_1092del, p.Lys364fs (NM_018315.5); c.1331_1332del, p.Lys444fs (NM_033632.3); c.1331_1332delAA (NM_001349798.2); c.977_978del, p.Lys326fs (NM_001013415.2); short protein forms K326fs, K364fs, K444fs.
Identifiers: ClinVar variation 3377097 (VCV003377097.1).

ClinVar aggregate classification (germline): Pathogenic (1 of 4 stars; one submission).

Conditions:
Developmental delay, hypotonia, and impaired language (DEDHIL). Identifiers: MedGen C5774202, MONDO:0859280, OMIM 620012.

Submission:

Victorian Clinical Genetics Services, Murdoch Childrens Research Institute
Classification: Pathogenic for Developmental delay, hypotonia, and impaired language. Last evaluated: 2024-10-08. Review status: criteria provided, single submitter. Criteria: ACMG Guidelines, 2015. Collection method: clinical testing. Allele origin: germline. Inheritance: Autosomal dominant inheritance. Affected: yes.
Comment: Based on the classification scheme VCGS_Germline_v1.3.4, this variant is classified as Pathogenic. Following criteria are met: 0102 - Loss of function is a known mechanism of disease in this gene and is associated with developmental delay, hypotonia, and impaired language, (MIM#620012). (I) 0107 - This gene is associated with autosomal dominant disease. (I) 0115 - Variants in this gene are known to have variable expressivity. Intra-familial variability has been reported (PMID: 35395208). (I) 0201 - Variant is predicted to cause nonsense-mediated decay (NMD) and loss of protein (premature termination codon is located at least 54 nucleotides upstream of the final exon-exon junction). (SP) 0251 - This variant is heterozygous. (I) 0301 - Variant is absent from gnomAD (both v2 and v3). (SP) 0702 - Another NMD-predicted variants comparable to the one identified in this case have strong previous evidence for pathogenicity (PMID: 35395208; ClinVar). (SP) 0807 - This variant has no previous evidence of pathogenicity. (I) 0905 - No published segregation evidence has been identified for this variant. (I) 1007 - No published functional evidence has been identified for this variant. (I) 1208 - Inheritance information for this variant is not currently available in this individual. (I) Legend: (SP) - Supporting pathogenic, (I) - Information, (SB) - Supporting benign

Literature cited by the submitters: PubMed 35395208.